The following is an entry in ClinVar:

NM_000143.4(FH):c.1082del (p.Asn361fs)

Gene: FH (fumarate hydratase; minus strand). Cytogenetic location: 1q43.
Variant type: Deletion.
Coding change: c.1082del on transcript NM_000143.4 (MANE Select); coding-DNA position 1082, one base deleted (A; older notation c.1082delA).
Protein change: p.Asn361fs; shifts the reading frame from asparagine 361.
Molecular consequence: frameshift variant.
Genome position (GRCh38, 1-based): chr1:241,504,068, T deleted on the plus strand (A on the coding strand, the reverse complement: FH is on the minus strand); the first of 4 consecutive T bases (chr1:241,504,068-241,504,071); deleting any one gives the same sequence. VCF-style (leftmost placement, unchanged base first): chr1-241504067-AT-A. GRCh37 (hg19) VCF-style: chr1-241667367-AT-A.
Other names: c.1082delA (NM_000143.3); short protein forms N361fs.
Identifiers: ClinVar variation 529815 (VCV000529815.3), dbSNP rs1553341012, ClinGen allele CA658795652.

ClinVar aggregate classification (germline): Pathogenic. Review status: criteria provided, multiple submitters, no conflicts (2 of 4 stars). 2 submissions from 2 submitters: Pathogenic (2). Last evaluated 2024-11-22.

Conditions:
Fumarase deficiency (FMRD). Also called: Fumaric aciduria; Fumarate Hydratase Deficiency. Identifiers: Orphanet 24, MedGen C0342770, MONDO:0011730, OMIM 606812.
Hereditary cancer-predisposing syndrome. Also called: Neoplastic Syndromes, Hereditary; Hereditary neoplastic syndrome; Tumor predisposition; Hereditary Cancer Syndrome. Identifiers: Orphanet 140162, MedGen C0027672, MeSH D009386, MONDO:0015356.

Submissions (2):

Ambry Genetics
Classification: Pathogenic for Hereditary cancer-predisposing syndrome. Last evaluated: 2024-11-22. Review status: criteria provided, single submitter. Criteria: Ambry Variant Classification Scheme 2023. Collection method: clinical testing. Allele origin: germline.
Comment: The c.1082delA pathogenic mutation, located in coding exon 7 of the FH gene, results from a deletion of one nucleotide at nucleotide position 1082, causing a translational frameshift with a predicted alternate stop codon (p.N361Mfs*12). This variant is considered to be rare based on population cohorts in the Genome Aggregation Database (gnomAD). This alteration is expected to result in loss of function by premature protein truncation or nonsense-mediated mRNA decay. As such, this alteration is interpreted as a disease-causing mutation.

Labcorp Genetics (formerly Invitae), Labcorp
Classification: Pathogenic for Fumarase deficiency. Last evaluated: 2017-10-08. Review status: criteria provided, single submitter. Criteria: Invitae Variant Classification Sherloc (09022015). Collection method: clinical testing. Allele origin: germline.
Comment: This sequence change creates a premature translational stop signal (p.Asn361Metfs*12) in the FH gene. It is expected to result in an absent or disrupted protein product. This variant is not present in population databases (ExAC no frequency). This variant has not been reported in the literature in individuals with FH-related disease. Loss-of-function variants in FH are known to be pathogenic (PMID: 11865300, 21398687). For these reasons, this variant has been classified as Pathogenic.